The following is an entry in ClinVar:

ClinVar aggregate classification (germline): Uncertain significance. Review status: criteria provided, multiple submitters, no conflicts (2 of 4 stars). 2 submissions from 2 submitters: Uncertain significance (2). Last evaluated 2025-07-30.

Conditions:
Inborn genetic diseases. Identifiers: MedGen C0950123, MeSH D030342.

Submissions (2):

Labcorp Genetics (formerly Invitae), Labcorp
Classification: Uncertain significance. Last evaluated: 2025-07-30. Review status: criteria provided, single submitter. Criteria: Invitae Variant Classification Sherloc (09022015). Collection method: clinical testing. Allele origin: germline.
Comment: This sequence change replaces serine, which is neutral and polar, with proline, which is neutral and non-polar, at codon 661 of the CLCN2 protein (p.Ser661Pro). This variant is present in population databases (rs115380062, gnomAD 0.1%). This variant has not been reported in the literature in individuals affected with CLCN2-related conditions. ClinVar contains an entry for this variant (Variation ID: 2510168). Invitae Evidence Modeling of protein sequence and biophysical properties (such as structural, functional, and spatial information, amino acid conservation, physicochemical variation, residue mobility, and thermodynamic stability) indicates that this missense variant is not expected to disrupt CLCN2 protein function with a negative predictive value of 80%. In summary, the available evidence is currently insufficient to determine the role of this variant in disease. Therefore, it has been classified as a Variant of Uncertain Significance.

Ambry Genetics
Classification: Uncertain significance for Inborn genetic diseases. Last evaluated: 2023-06-07. Review status: criteria provided, single submitter. Criteria: Ambry Variant Classification Scheme 2023. Collection method: clinical testing. Allele origin: germline.

NM_004366.6(CLCN2):c.1981T>C (p.Ser661Pro)

Gene: CLCN2 (chloride voltage-gated channel 2; minus strand). Cytogenetic location: 3q27.1.
Variant type: single nucleotide variant.
Coding change: c.1981T>C on transcript NM_004366.6 (MANE Select); coding-DNA position 1981, T replaced by C.
Protein change: p.Ser661Pro; replaces serine 661 with proline.
Molecular consequence: missense variant.
Genome position (GRCh38, 1-based): chr3:184,353,297, A>G on the plus strand (T>C on the coding strand, the complement: CLCN2 is on the minus strand). VCF-style: chr3-184353297-A-G. GRCh37 (hg19) VCF-style: chr3-184071085-A-G.
Other names: c.1930T>C, p.Ser644Pro (NM_001171087.3); c.1849T>C, p.Ser617Pro (NM_001171088.3); c.1981T>C, p.Ser661Pro (NM_001171089.3); short protein forms S644P, S661P, S617P.
Identifiers: ClinVar variation 2510168 (VCV002510168.4), dbSNP rs115380062, ClinGen allele CA2733920.
Genomic context (GRCh38, chr3:184,353,297, plus strand): 5'-CTTTTCCCCTCACCTGGAAGCAGACAGAAGCCTCAGGGGTAGGGGGACCCTCCTGATCAG[A>G]TAGTGGAGAGGTCTGGGTGGCTCTGCGCTCCTGCATGTGCTGCCGCCGGCGGGCTGGGCT-3'
Protein context (NP_004357.3, residues 651-671): ERRATQTSPL[Ser661Pro]DQEGPPTPEA